The following is an entry in ClinVar:

NM_006445.4(PRPF8):c.413C>A (p.Pro138His)

Gene: PRPF8 (pre-mRNA processing factor 8; minus strand). Cytogenetic location: 17p13.3.
Variant type: single nucleotide variant.
Coding change: c.413C>A on transcript NM_006445.4 (MANE Select); coding-DNA position 413, C replaced by A.
Protein change: p.Pro138His; replaces proline 138 with histidine.
Molecular consequence: missense variant.
Genome position (GRCh38, 1-based): chr17:1,682,150, G>T on the plus strand (C>A on the coding strand, the complement: PRPF8 is on the minus strand). VCF-style: chr17-1682150-G-T. GRCh37 (hg19) VCF-style: chr17-1585444-G-T.
Other names: short protein forms P138H.
Identifiers: ClinVar variation 4686548 (VCV004686548.2).

ClinVar aggregate classification (germline): Uncertain significance. Review status: criteria provided, multiple submitters, no conflicts (2 of 4 stars). 2 submissions from 2 submitters: Uncertain significance (2). Last evaluated 2025-09-01.

Submissions (2):

Labcorp Genetics (formerly Invitae), Labcorp
Classification: Uncertain significance. Last evaluated: 2025-09-01. Review status: criteria provided, single submitter. Criteria: Invitae Variant Classification Sherloc (09022015). Collection method: clinical testing. Allele origin: germline.
Comment: This sequence change replaces proline, which is neutral and non-polar, with histidine, which is basic and polar, at codon 138 of the PRPF8 protein (p.Pro138His). This variant is not present in population databases (gnomAD no frequency). This variant has not been reported in the literature in individuals affected with PRPF8-related conditions. Invitae Evidence Modeling of protein sequence and biophysical properties (such as structural, functional, and spatial information, amino acid conservation, physicochemical variation, residue mobility, and thermodynamic stability) indicates that this missense variant is expected to disrupt PRPF8 protein function with a positive predictive value of 80%. In summary, the available evidence is currently insufficient to determine the role of this variant in disease. Therefore, it has been classified as a Variant of Uncertain Significance.

GeneDx
Classification: Uncertain significance. Last evaluated: 2025-07-18. Review status: criteria provided, single submitter. Criteria: GeneDx Variant Classification Process June 2021. Collection method: clinical testing. Allele origin: germline. Affected: yes.
Comment: Not observed at significant frequency in large population cohorts (gnomAD); In silico analysis supports that this missense variant has a deleterious effect on protein structure/function; Has not been previously published as pathogenic or benign to our knowledge